The following is an entry in ClinVar:

ClinVar aggregate classification (germline): Uncertain significance (1 of 4 stars; one submission).

Allele frequency attached by ClinVar (database versions not stated): gnomAD exomes 0.00002; gnomAD 0.00003; ExAC 0.00004; TOPMed 0.00005; ESP Exome Variant Server 0.00023.
gnomAD v4.1: 31 of 1,614,100 alleles (0.0019%); highest among the groups gnomAD compares: Admixed American, 0.0033%; no homozygotes.

Submission:

Labcorp Genetics (formerly Invitae), Labcorp
Classification: Uncertain significance. Last evaluated: 2025-05-03. Review status: criteria provided, single submitter. Criteria: Invitae Variant Classification Sherloc (09022015). Collection method: clinical testing. Allele origin: germline.
Comment: This sequence change replaces histidine, which is basic and polar, with asparagine, which is neutral and polar, at codon 342 of the NEUROD1 protein (p.His342Asn). This variant is present in population databases (rs370447253, gnomAD 0.007%). This variant has not been reported in the literature in individuals affected with NEUROD1-related conditions. ClinVar contains an entry for this variant (Variation ID: 943462). Invitae Evidence Modeling of protein sequence and biophysical properties (such as structural, functional, and spatial information, amino acid conservation, physicochemical variation, residue mobility, and thermodynamic stability) indicates that this missense variant is not expected to disrupt NEUROD1 protein function with a negative predictive value of 80%. In summary, the available evidence is currently insufficient to determine the role of this variant in disease. Therefore, it has been classified as a Variant of Uncertain Significance.

NM_002500.5(NEUROD1):c.1024C>A (p.His342Asn)

Gene: NEUROD1 (neuronal differentiation 1; minus strand). Cytogenetic location: 2q31.3.
Variant type: single nucleotide variant.
Coding change: c.1024C>A on transcript NM_002500.5 (MANE Select); coding-DNA position 1024, C replaced by A.
Protein change: p.His342Asn; replaces histidine 342 with asparagine.
Molecular consequence: missense variant.
Genome position (GRCh38, 1-based): chr2:181,677,837, G>T on the plus strand (C>A on the coding strand, the complement: NEUROD1 is on the minus strand). VCF-style: chr2-181677837-G-T. GRCh37 (hg19) VCF-style: chr2-182542564-G-T.
Other names: short protein forms H342N.
Identifiers: ClinVar variation 943462 (VCV000943462.7), dbSNP rs370447253, ClinGen allele CA2011016.
Genomic context (GRCh38, chr2:181,677,837, plus strand): 5'-AACTGGCGTGCCTCTAATCATGAAATATGGCATTGAGCTGGGCACTCATGACTCGCTCAT[G>T]ATGTGAATGGCTATCGAAGGACATAATATTGTCTATGGGGATCTCGCAGCGAGGGGCAGC-3'
Protein context (NP_002491.3, residues 332-352): NIMSFDSHSH[His342Asn]ERVMSAQLNA